The following is an entry in ClinVar:

NM_001077653.2(TBX20):c.775A>G (p.Thr259Ala)

Gene: TBX20 (T-box transcription factor 20; minus strand). Cytogenetic location: 7p14.2.
Variant type: single nucleotide variant.
Coding change: c.775A>G on transcript NM_001077653.2 (MANE Select); coding-DNA position 775, A replaced by G.
Protein change: p.Thr259Ala; replaces threonine 259 with alanine.
Molecular consequence: missense variant.
Genome position (GRCh38, 1-based): chr7:35,240,917, T>C on the plus strand (A>G on the coding strand, the complement: TBX20 is on the minus strand). VCF-style: chr7-35240917-T-C. GRCh37 (hg19) VCF-style: chr7-35280529-T-C.
Other names: c.775A>G, p.Thr259Ala (NM_001166220.1); short protein forms T259A.
Identifiers: ClinVar variation 4808905 (VCV004808905.1).

ClinVar aggregate classification (germline): Uncertain significance (1 of 4 stars; one submission).

Submission:

Labcorp Genetics (formerly Invitae), Labcorp
Classification: Uncertain significance. Last evaluated: 2025-12-31. Review status: criteria provided, single submitter. Criteria: Invitae Variant Classification Sherloc (09022015). Collection method: clinical testing. Allele origin: germline.
Comment: This sequence change replaces threonine, which is neutral and polar, with alanine, which is neutral and non-polar, at codon 259 of the TBX20 protein (p.Thr259Ala). This variant is not present in population databases (gnomAD no frequency). This variant has not been reported in the literature in individuals affected with TBX20-related conditions. Invitae Evidence Modeling of protein sequence and biophysical properties (such as structural, functional, and spatial information, amino acid conservation, physicochemical variation, residue mobility, and thermodynamic stability) indicates that this missense variant is not expected to disrupt TBX20 protein function with a negative predictive value of 80%. In summary, the available evidence is currently insufficient to determine the role of this variant in disease. Therefore, it has been classified as a Variant of Uncertain Significance.